The following is an entry in ClinVar:

NM_002432.3(MNDA):c.974T>G (p.Phe325Cys)

Gene: MNDA (myeloid cell nuclear differentiation antigen; plus strand). Cytogenetic location: 1q23.1.
Variant type: single nucleotide variant.
Coding change: c.974T>G on transcript NM_002432.3 (MANE Select); coding-DNA position 974, T replaced by G.
Protein change: p.Phe325Cys; replaces phenylalanine 325 with cysteine.
Molecular consequence: missense variant.
Genome position (GRCh38, 1-based): chr1:158,845,990, T>G. VCF-style: chr1-158845990-T-G. GRCh37 (hg19) VCF-style: chr1-158815780-T-G.
Other names: short protein forms F325C.
Identifiers: ClinVar variation 1768077 (VCV001768077.2), dbSNP rs765048342, ClinGen allele CA1185744.
Genomic context (GRCh38, chr1:158,845,990, plus strand): 5'-AAACTCCCAAGATCAGTCAACTTTACAAGCAAGCATCTGGAACAATGGTGTATGGGTTGT[T>G]TATGTTACAAAAGGTAAACCCTTAATTTTGTTTTAATTTTCTCTACCATTACCTGGAAAT-3'
Protein context (NP_002423.1, residues 315-335): QASGTMVYGL[Phe325Cys]MLQKKSVHKK

ClinVar aggregate classification (germline): Uncertain significance (1 of 4 stars; one submission).

Allele frequency attached by ClinVar (database versions not stated): gnomAD exomes below 0.00001; ExAC 0.00001.
gnomAD v4.1: 3 of 1,602,868 alleles (0.00019%); highest among the groups gnomAD compares: Non-Finnish European, 0.00026%; no homozygotes.

Submission:

Ambry Genetics
Classification: Uncertain significance. Last evaluated: 2022-03-08. Review status: criteria provided, single submitter. Criteria: Ambry Variant Classification Scheme 2023. Collection method: clinical testing. Allele origin: germline.
Comment: The p.F325C variant (also known as c.974T>G), located in coding exon 4 of the MNDA gene, results from a T to G substitution at nucleotide position 974. The phenylalanine at codon 325 is replaced by cysteine, an amino acid with highly dissimilar properties. This amino acid position is conserved. In addition, the in silico prediction for this alteration is inconclusive. Since supporting evidence is limited at this time, the clinical significance of this alteration remains unclear.